The following is an entry in ClinVar:

ClinVar aggregate classification (germline): Uncertain significance (1 of 4 stars; one submission).

Conditions:
Nephronophthisis. Also called: Juvenile Nephronophthisis. Identifiers: Orphanet 655, MedGen C0687120, MONDO:0019005, HP:0000090.
Jeune thoracic dystrophy. Also called: Infantile thoracic dystrophy; Thoracic pelvic phalangeal dystrophy; Jeune's syndrome; Chondroectodermal dysplasia-like syndrome; Jeune syndrome; Short-rib thoracic dysplasia. Identifiers: Orphanet 474, MedGen C0265275, MONDO:0018770.

Submission:

Labcorp Genetics (formerly Invitae), Labcorp
Classification: Uncertain significance for Jeune thoracic dystrophy; Nephronophthisis. Last evaluated: 2025-12-08. Review status: criteria provided, single submitter. Criteria: Invitae Variant Classification Sherloc (09022015). Collection method: clinical testing. Allele origin: germline.
Comment: This sequence change replaces glycine, which is neutral and non-polar, with arginine, which is basic and polar, at codon 274 of the TTC21B protein (p.Gly274Arg). This variant is not present in population databases (gnomAD no frequency). This variant has not been reported in the literature in individuals affected with TTC21B-related conditions. ClinVar contains an entry for this variant (Variation ID: 1505334). Invitae Evidence Modeling of protein sequence and biophysical properties (such as structural, functional, and spatial information, amino acid conservation, physicochemical variation, residue mobility, and thermodynamic stability) indicates that this missense variant is not expected to disrupt TTC21B protein function with a negative predictive value of 95%. In summary, the available evidence is currently insufficient to determine the role of this variant in disease. Therefore, it has been classified as a Variant of Uncertain Significance.

NM_024753.5(TTC21B):c.820G>C (p.Gly274Arg)

Gene: TTC21B (tetratricopeptide repeat domain 21B; minus strand). Cytogenetic location: 2q24.3.
Variant type: single nucleotide variant.
Coding change: c.820G>C on transcript NM_024753.5 (MANE Select); coding-DNA position 820, G replaced by C.
Protein change: p.Gly274Arg; replaces glycine 274 with arginine.
Molecular consequence: missense variant.
Genome position (GRCh38, 1-based): chr2:165,931,832, C>G on the plus strand (G>C on the coding strand, the complement: TTC21B is on the minus strand). VCF-style: chr2-165931832-C-G. GRCh37 (hg19) VCF-style: chr2-166788342-C-G.
Other names: short protein forms G274R.
Identifiers: ClinVar variation 1505334 (VCV001505334.8), dbSNP rs2105347173, ClinGen allele CA349048942.